The following is an entry in ClinVar:

NM_001136156.2(ZNF507):c.735C>T (p.Tyr245=)

Gene: ZNF507 (zinc finger protein 507; plus strand). Cytogenetic location: 19q13.11.
Variant type: single nucleotide variant.
Coding change: c.735C>T on transcript NM_001136156.2 (MANE Select); coding-DNA position 735, C replaced by T.
Protein change: p.Tyr245=; no amino-acid change (tyrosine 245 retained).
Molecular consequence: synonymous variant.
Genome position (GRCh38, 1-based): chr19:32,353,565, C>T. VCF-style: chr19-32353565-C-T. GRCh37 (hg19) VCF-style: chr19-32844471-C-T.
Other names: c.735C>T, p.Tyr245= (NM_014910.5).
Identifiers: ClinVar variation 2649679 (VCV002649679.24), dbSNP rs145193065, ClinGen allele CA9354740.

ClinVar aggregate classification (germline): Likely benign (1 of 4 stars; one submission).

Allele frequency attached by ClinVar (database versions not stated): ExAC 0.00008; ESP Exome Variant Server 0.00008; gnomAD exomes 0.00010; gnomAD 0.00020; TOPMed 0.00023.
gnomAD v4.1: 178 of 1,614,022 alleles (0.011%); highest among the groups gnomAD compares: African/African-American, 0.036%; no homozygotes.

Submission:

CeGaT Center for Human Genetics Tuebingen
Classification: Likely benign. Last evaluated: 2022-11-01. Review status: criteria provided, single submitter. Criteria: CeGaT Center For Human Genetics Tuebingen Variant Classification Criteria Version 2. Collection method: clinical testing. Allele origin: germline. Affected: yes. Observed: 1 variant allele.
Comment: ZNF507: BP4, BP7